The following is an entry in ClinVar:

ClinVar aggregate classification (germline): Uncertain significance. Review status: criteria provided, multiple submitters, no conflicts (2 of 4 stars). 3 submissions from 3 submitters: Uncertain significance (3). Last evaluated 2025-08-14.

Conditions:
Familial cold autoinflammatory syndrome 2 (FCAS2). Identifiers: Orphanet 247868, MedGen C2673198, MONDO:0012724, OMIM 611762.
Inborn genetic diseases. Identifiers: MedGen C0950123, MeSH D030342.

Allele frequency attached by ClinVar (database versions not stated): gnomAD exomes 0.00001; ExAC 0.00002; gnomAD 0.00005 and 0.00006; TOPMed 0.00005.

Submissions (3):

Ambry Genetics
Classification: Uncertain significance for Inborn genetic diseases. Last evaluated: 2025-08-14. Review status: criteria provided, single submitter. Criteria: Ambry Variant Classification Scheme 2023. Collection method: clinical testing. Allele origin: germline.

Labcorp Genetics (formerly Invitae), Labcorp
Classification: Uncertain significance for Familial cold autoinflammatory syndrome 2. Last evaluated: 2024-04-03. Review status: criteria provided, single submitter. Criteria: Invitae Variant Classification Sherloc (09022015). Collection method: clinical testing. Allele origin: germline.
Comment: This sequence change replaces histidine, which is basic and polar, with tyrosine, which is neutral and polar, at codon 586 of the NLRP12 protein (p.His586Tyr). This variant is present in population databases (rs772704000, gnomAD 0.004%). This variant has not been reported in the literature in individuals affected with NLRP12-related conditions. ClinVar contains an entry for this variant (Variation ID: 994252). Advanced modeling of protein sequence and biophysical properties (such as structural, functional, and spatial information, amino acid conservation, physicochemical variation, residue mobility, and thermodynamic stability) performed at Invitae indicates that this missense variant is not expected to disrupt NLRP12 protein function with a negative predictive value of 80%. In summary, the available evidence is currently insufficient to determine the role of this variant in disease. Therefore, it has been classified as a Variant of Uncertain Significance.

ARUP Laboratories, Molecular Genetics and Genomics, ARUP Laboratories
Classification: Uncertain significance for Familial cold autoinflammatory syndrome 2. Last evaluated: 2020-02-25. Review status: criteria provided, single submitter. Criteria: ARUP Molecular Germline Variant Investigation Process. Collection method: clinical testing. Allele origin: germline.
Comment: The NLRP12 c.1756C>T, p.His586Tyr variant (rs772704000), to our knowledge, is not reported in the medical literature or gene specific databases. The variant is reported in the general population with an overall allele frequency of 0.002% (5/282,696 alleles) in the Genome Aggregation Database. The histidine at codon 586 is moderately conserved, and computational analyses (SIFT: Damaging, PolyPhen-2: Benign) predict conflicting effects of this variant on protein structure/function. Due to limited information, the clinical significance of this variant is uncertain.

NM_144687.4(NLRP12):c.1756C>T (p.His586Tyr)

Gene: NLRP12 (NLR family pyrin domain containing 12; minus strand). Cytogenetic location: 19q13.42.
Variant type: single nucleotide variant.
Coding change: c.1756C>T on transcript NM_144687.4 (MANE Select); coding-DNA position 1756, C replaced by T.
Protein change: p.His586Tyr; replaces histidine 586 with tyrosine.
Molecular consequence: missense variant.
Genome position (GRCh38, 1-based): chr19:53,809,903, G>A on the plus strand (C>T on the coding strand, the complement: NLRP12 is on the minus strand). VCF-style: chr19-53809903-G-A. GRCh37 (hg19) VCF-style: chr19-54313157-G-A.
Other names: c.1756C>T (NM_144687.2); c.1756C>T, p.His586Tyr (NM_001277126.2, NM_001277129.1); short protein forms H586Y.
Identifiers: ClinVar variation 994252 (VCV000994252.12), dbSNP rs772704000, ClinGen allele CA9639353.